The following is an entry in ClinVar:

NC_000015.9:g.(?_89379429)_(89417712_?)dup

Gene: ACAN (aggrecan; plus strand). Cytogenetic location: 15q26.1.
Variant type: Duplication.
Identifiers: ClinVar variation 3243882 (VCV003243882.1).

ClinVar aggregate classification (germline): Uncertain significance (1 of 4 stars; one submission).

Submission:

Labcorp Genetics (formerly Invitae), Labcorp
Classification: Uncertain significance. Last evaluated: 2023-11-07. Review status: criteria provided, single submitter. Criteria: Invitae Variant Classification Sherloc (09022015). Collection method: clinical testing. Allele origin: unknown.
Comment: A copy number gain of the genomic region encompassing the full coding sequence of the ACAN gene has been identified. The boundaries of this event are unknown as they extend beyond the assayed region for this gene and therefore may encompass additional genes. As the precise location of this event is unknown, it may be in tandem or it may be located elsewhere in the genome. This variant has not been reported in the literature in individuals affected with ACAN-related conditions. In summary, the available evidence is currently insufficient to determine the role of this variant in disease. Therefore, it has been classified as a Variant of Uncertain Significance.